The following is an entry in ClinVar:

NM_001206744.2(TPO):c.2305C>T (p.Arg769Trp)

Genes: LALTOP (lung cancer associated lncRNA targeting TOP2A; minus strand), TPO (thyroid peroxidase; plus strand). Cytogenetic location: 2p25.3.
Variant type: single nucleotide variant.
Coding change: c.2305C>T on transcript NM_001206744.2 (MANE Select); coding-DNA position 2305, C replaced by T.
Protein change: p.Arg769Trp; replaces arginine 769 with tryptophan.
Molecular consequence: missense variant.
Genome position (GRCh38, 1-based): chr2:1,496,684, C>T. VCF-style: chr2-1496684-C-T. GRCh37 (hg19) VCF-style: chr2-1500456-C-T.
Other names: c.2305C>T, p.Arg769Trp (NM_000547.6, NM_175721.3); c.2134C>T, p.Arg712Trp (NM_001206745.2, NM_175719.4); c.1786C>T, p.Arg596Trp (NM_175722.3); short protein forms R712W, R769W, R596W.
Identifiers: ClinVar variation 721143 (VCV000721143.16), dbSNP rs114406277, ClinGen allele CA1512033.

ClinVar aggregate classification (germline): Conflicting classifications of pathogenicity. Review status: criteria provided, conflicting classifications (1 of 4 stars). 4 submissions from 4 submitters: Uncertain significance (1); Benign (1); Likely benign (2). Last evaluated 2026-06-05.

Conditions:
Deficiency of iodide peroxidase (TDH2A). Also called: THYROID HORMONOGENESIS, GENETIC DEFECT IN, 2A; THYROID PEROXIDASE DEFICIENCY; HYPOTHYROIDISM, CONGENITAL, DUE TO DYSHORMONOGENESIS, 2A; IODIDE PEROXIDASE DEFICIENCY; Thyroid dyshormonogenesis 2A. Identifiers: Orphanet 95716, MedGen C1291299, MONDO:0010133, OMIM 274500.

Allele frequency attached by ClinVar (database versions not stated): gnomAD exomes 0.00177; ExAC 0.00205; gnomAD 0.00575 and 0.00629; 1000 Genomes Project 0.00599; 1000 Genomes Project 30x 0.00640; TOPMed 0.00686; ESP Exome Variant Server 0.00746.
gnomAD v4.1: 1,865 of 1,613,966 alleles (0.12%); highest among the groups gnomAD compares: African/African-American, 2.1%; 13 homozygotes.

Submissions (4):

Women's Health and Genetics/Laboratory Corporation of America, LabCorp
Classification: Likely benign. Last evaluated: 2026-06-05. Review status: criteria provided, single submitter. Criteria: LabCorp Variant Classification Summary - May 2015. Collection method: clinical testing. Allele origin: germline.
Comment: Variant summary: TPO c.2305C>T (p.Arg769Trp) results in a non-conservative amino acid change located in the Sushi/SCR/CCP domain (IPR000436) of the encoded protein sequence. Algorithms developed to predict the effect of missense changes on protein structure and function are either unavailable or do not agree on the potential impact of this missense change. The variant allele was found at a frequency of 0.0018 in 251490 control chromosomes, predominantly at a frequency of 0.02 within the African or African-American subpopulation in the gnomAD database, including 2 homozygotes. The observed variant frequency within African or African-American control individuals in the gnomAD database is approximately 3 fold of the estimated maximal expected allele frequency for a pathogenic variant in TPO causing Deficiency Of Iodide Peroxidase phenotype (0.0071), strongly suggesting that the variant is a benign polymorphism found primarily in populations of African or African-American origin. c.2305C>T has been observed in individuals affected with Congenital Hypothyroidism without evidence for causality (Wang_2020, Wang_2021, Long_2018). A functional study reports inconsistent results on the effect of this variant on protein function (Wang_2021). The following publications have been ascertained in the context of this evaluation (PMID: 34426522, 30022773, 32425884, 35002963). ClinVar contains an entry for this variant (Variation ID: 721143). Based on the evidence outlined above, the variant was classified as likely benign.

Labcorp Genetics (formerly Invitae), Labcorp
Classification: Benign. Last evaluated: 2026-01-27. Review status: criteria provided, single submitter. Criteria: Invitae Variant Classification Sherloc (09022015). Collection method: clinical testing. Allele origin: germline.

Dubai Health Genomic Medicine Center, Dubai Health
Classification: Likely benign for Deficiency of iodide peroxidase. Last evaluated: 2021-02-03. Review status: criteria provided, single submitter. Criteria: ACMG Guidelines, 2015. Collection method: clinical testing. Allele origin: germline. Affected: yes.

Illumina Laboratory Services, Illumina
Classification: Uncertain significance for Deficiency of iodide peroxidase. Last evaluated: 2018-01-13. Review status: criteria provided, single submitter. Criteria: ICSL Variant Classification Criteria 13 December 2019. Collection method: clinical testing. Allele origin: germline.

Literature cited by the submitters: PubMed 34426522 (cited by Women's Health and Genetics/Laboratory Corporation of America, LabCorp); PubMed 32425884 (cited by Women's Health and Genetics/Laboratory Corporation of America, LabCorp); PubMed 30022773 (cited by Women's Health and Genetics/Laboratory Corporation of America, LabCorp); PubMed 35002963 (cited by Women's Health and Genetics/Laboratory Corporation of America, LabCorp).